The following is an entry in ClinVar:

NM_002907.4(RECQL):c.1747G>T (p.Ala583Ser)

Genes: PYROXD1 (pyridine nucleotide-disulphide oxidoreductase domain 1; plus strand), RECQL (RecQ like helicase; minus strand). Cytogenetic location: 12p12.1.
Variant type: single nucleotide variant.
Coding change: c.1747G>T on transcript NM_002907.4 (MANE Select); coding-DNA position 1747, G replaced by T.
Protein change: p.Ala583Ser; replaces alanine 583 with serine.
Molecular consequence: missense variant. On other transcripts: 3 prime UTR variant (3).
Genome position (GRCh38, 1-based): chr12:21,471,019, C>A on the plus strand (G>T on the coding strand, the complement: RECQL is on the minus strand). VCF-style: chr12-21471019-C-A. GRCh37 (hg19) VCF-style: chr12-21623953-C-A.
Other names: c.1747G>T, p.Ala583Ser (NM_032941.3); c.*2265C>A (NM_001350912.2, NM_001350913.2, NM_024854.5); short protein forms A583S.
Identifiers: ClinVar variation 2586021 (VCV002586021.2), dbSNP rs2137311657, ClinGen allele CA384114506.

ClinVar aggregate classification (germline): Uncertain significance (1 of 4 stars; one submission).

Allele frequency attached by ClinVar (database versions not stated): gnomAD exomes below 0.00001.
gnomAD v4.1: 6 of 1,597,190 alleles (0.00038%); highest among the groups gnomAD compares: Non-Finnish European, 0.00051%; no homozygotes.

Submission:

Ambry Genetics
Classification: Uncertain significance. Last evaluated: 2023-09-04. Review status: criteria provided, single submitter. Criteria: Ambry Variant Classification Scheme 2023. Collection method: clinical testing. Allele origin: germline.
Comment: The p.A583S variant (also known as c.1747G>T), located in coding exon 13 of the RECQL gene, results from a G to T substitution at nucleotide position 1747. The alanine at codon 583 is replaced by serine, an amino acid with similar properties. This amino acid position is conserved. In addition, this alteration is predicted to be tolerated by in silico analysis. Since supporting evidence is limited at this time, the clinical significance of this alteration remains unclear.